The following is an entry in ClinVar:

ClinVar aggregate classification (germline): Uncertain significance (1 of 4 stars; one submission).

Allele frequency attached by ClinVar (database versions not stated): gnomAD 0.00001.

Submission:

Ambry Genetics
Classification: Uncertain significance. Last evaluated: 2023-04-03. Review status: criteria provided, single submitter. Criteria: Ambry Variant Classification Scheme 2023. Collection method: clinical testing. Allele origin: germline.
Comment: The p.D330E variant (also known as c.990T>G), located in coding exon 11 of the NPAT gene, results from a T to G substitution at nucleotide position 990. The aspartic acid at codon 330 is replaced by glutamic acid, an amino acid with highly similar properties. This amino acid position is conserved. In addition, this alteration is predicted to be tolerated by in silico analysis. Since supporting evidence is limited at this time, the clinical significance of this alteration remains unclear.

NM_002519.3(NPAT):c.990T>G (p.Asp330Glu)

Gene: NPAT (nuclear protein, coactivator of histone transcription; minus strand). Cytogenetic location: 11q22.3.
Variant type: single nucleotide variant.
Coding change: c.990T>G on transcript NM_002519.3 (MANE Select); coding-DNA position 990, T replaced by G.
Protein change: p.Asp330Glu; replaces aspartic acid 330 with glutamic acid.
Molecular consequence: missense variant.
Genome position (GRCh38, 1-based): chr11:108,177,007, A>C on the plus strand (T>G on the coding strand, the complement: NPAT is on the minus strand). VCF-style: chr11-108177007-A-C. GRCh37 (hg19) VCF-style: chr11-108047734-A-C.
Other names: c.990T>G, p.Asp330Glu (NM_001321307.1); short protein forms D330E.
Identifiers: ClinVar variation 2561417 (VCV002561417.2), dbSNP rs2078013770, ClinGen allele CA382517171.